The following is an entry in ClinVar:

NM_019594.4(LRRC8A):c.44C>T (p.Pro15Leu)

Gene: LRRC8A (leucine rich repeat containing 8 VRAC subunit A; plus strand). Cytogenetic location: 9q34.11.
Variant type: single nucleotide variant.
Coding change: c.44C>T on transcript NM_019594.4 (MANE Select); coding-DNA position 44, C replaced by T.
Protein change: p.Pro15Leu; replaces proline 15 with leucine.
Molecular consequence: missense variant.
Genome position (GRCh38, 1-based): chr9:128,907,208, C>T. VCF-style: chr9-128907208-C-T. GRCh37 (hg19) VCF-style: chr9-131669487-C-T.
Other names: c.44C>T, p.Pro15Leu (NM_001127244.2, NM_001127245.2); short protein forms P15L.
Identifiers: ClinVar variation 2705360 (VCV002705360.3), dbSNP rs1309555967, ClinGen allele CA375071604.

ClinVar aggregate classification (germline): Uncertain significance (1 of 4 stars; one submission).

Submission:

Labcorp Genetics (formerly Invitae), Labcorp
Classification: Uncertain significance. Last evaluated: 2023-12-25. Review status: criteria provided, single submitter. Criteria: Invitae Variant Classification Sherloc (09022015). Collection method: clinical testing. Allele origin: germline.
Comment: This sequence change replaces proline, which is neutral and non-polar, with leucine, which is neutral and non-polar, at codon 15 of the LRRC8A protein (p.Pro15Leu). This variant is not present in population databases (gnomAD no frequency). This variant has not been reported in the literature in individuals affected with LRRC8A-related conditions. An algorithm developed to predict the effect of missense changes on protein structure and function (PolyPhen-2) suggests that this variant is likely to be disruptive. In summary, the available evidence is currently insufficient to determine the role of this variant in disease. Therefore, it has been classified as a Variant of Uncertain Significance.